The following is an entry in ClinVar:

ClinVar aggregate classification (germline): Uncertain significance. Review status: criteria provided, multiple submitters, no conflicts (2 of 4 stars). 3 submissions from 3 submitters: Uncertain significance (3). Last evaluated 2025-02-25.

Conditions:
Inborn genetic diseases. Identifiers: MedGen C0950123, MeSH D030342.

Allele frequency attached by ClinVar (database versions not stated): TOPMed 0.00003; 1000 Genomes Project 30x 0.00031; 1000 Genomes Project 0.00020; ExAC 0.00005.
gnomAD v4.1: 67 of 1,597,704 alleles (0.0042%); highest among the groups gnomAD compares: Non-Finnish European, 0.0056%; no homozygotes.

Submissions (3):

Ambry Genetics
Classification: Uncertain significance for Inborn genetic diseases. Last evaluated: 2025-02-25. Review status: criteria provided, single submitter. Criteria: Ambry Variant Classification Scheme 2023. Collection method: clinical testing. Allele origin: germline.

GeneDx
Classification: Uncertain significance. Last evaluated: 2024-11-21. Review status: criteria provided, single submitter. Criteria: GeneDx Variant Classification Process June 2021. Collection method: clinical testing. Allele origin: germline. Affected: yes.
Comment: Not observed at significant frequency in large population cohorts (gnomAD); In silico analysis indicates that this missense variant does not alter protein structure/function; Has not been previously published as pathogenic or benign to our knowledge

Labcorp Genetics (formerly Invitae), Labcorp
Classification: Uncertain significance. Last evaluated: 2022-07-09. Review status: criteria provided, single submitter. Criteria: Invitae Variant Classification Sherloc (09022015). Collection method: clinical testing. Allele origin: germline.
Comment: This sequence change replaces glycine, which is neutral and non-polar, with glutamic acid, which is acidic and polar, at codon 710 of the SZT2 protein (p.Gly710Glu). This variant is present in population databases (rs77299197, gnomAD 0.007%). This variant has not been reported in the literature in individuals affected with SZT2-related conditions. ClinVar contains an entry for this variant (Variation ID: 1005735). Algorithms developed to predict the effect of missense changes on protein structure and function (SIFT, PolyPhen-2, Align-GVGD) all suggest that this variant is likely to be tolerated. In summary, the available evidence is currently insufficient to determine the role of this variant in disease. Therefore, it has been classified as a Variant of Uncertain Significance.

NM_001365999.1(SZT2):c.2129G>A (p.Gly710Glu)

Gene: SZT2 (SZT2 subunit of KICSTOR complex; plus strand). Cytogenetic location: 1p34.2.
Variant type: single nucleotide variant.
Coding change: c.2129G>A on transcript NM_001365999.1 (MANE Select); coding-DNA position 2129, G replaced by A.
Protein change: p.Gly710Glu; replaces glycine 710 with glutamic acid.
Molecular consequence: missense variant.
Genome position (GRCh38, 1-based): chr1:43,423,190, G>A. VCF-style: chr1-43423190-G-A. GRCh37 (hg19) VCF-style: chr1-43888861-G-A.
Other names: c.2129G>A, p.Gly710Glu (NM_015284.4); c.2129G>A (NM_015284.3); short protein forms G710E.
Identifiers: ClinVar variation 1005735 (VCV001005735.8), dbSNP rs77299197, ClinGen allele CA808622.